The following is an entry in ClinVar:

ClinVar aggregate classification (germline): Uncertain significance (1 of 4 stars; one submission).

Submission:

GeneDx
Classification: Uncertain significance. Last evaluated: 2023-05-03. Review status: criteria provided, single submitter. Criteria: GeneDx Variant Classification Process June 2021. Collection method: clinical testing. Allele origin: germline. Affected: yes.
Comment: Not observed at significant frequency in large population cohorts (gnomAD); In silico analysis supports that this missense variant has a deleterious effect on protein structure/function; Has not been previously published as pathogenic or benign to our knowledge

NM_001127222.2(CACNA1A):c.4801A>G (p.Asn1601Asp)

Gene: CACNA1A (calcium voltage-gated channel subunit alpha1 A; minus strand). Cytogenetic location: 19p13.13.
Variant type: single nucleotide variant.
Coding change: c.4801A>G on transcript NM_001127222.2 (MANE Select); coding-DNA position 4801, A replaced by G.
Protein change: p.Asn1601Asp; replaces asparagine 1601 with aspartic acid.
Molecular consequence: missense variant.
Genome position (GRCh38, 1-based): chr19:13,253,056, T>C on the plus strand (A>G on the coding strand, the complement: CACNA1A is on the minus strand). VCF-style: chr19-13253056-T-C. GRCh37 (hg19) VCF-style: chr19-13363870-T-C.
Other names: c.4813A>G, p.Asn1605Asp (NM_000068.4, NM_023035.3); c.4804A>G, p.Asn1602Asp (NM_001127221.2, NM_001174080.2); short protein forms N1601D, N1602D, N1605D.
Identifiers: ClinVar variation 3343313 (VCV003343313.1).